The following is an entry in ClinVar:

NM_001098511.3(KIF2A):c.1382A>G (p.Asn461Ser)

Gene: KIF2A (kinesin family member 2A; plus strand). Cytogenetic location: 5q12.1.
Variant type: single nucleotide variant.
Coding change: c.1382A>G on transcript NM_001098511.3 (MANE Select); coding-DNA position 1382, A replaced by G.
Protein change: p.Asn461Ser; replaces asparagine 461 with serine.
Molecular consequence: missense variant.
Genome position (GRCh38, 1-based): chr5:62,363,814, A>G. VCF-style: chr5-62363814-A-G. GRCh37 (hg19) VCF-style: chr5-61659641-A-G.
Other names: c.1301A>G, p.Asn434Ser (NM_001243952.2); c.1325A>G, p.Asn442Ser (NM_001243953.2); c.1382A>G, p.Asn461Ser (NM_004520.5); short protein forms N442S, N434S, N461S.
Identifiers: ClinVar variation 2008259 (VCV002008259.4), dbSNP rs2531358098, ClinGen allele CA359951468.

ClinVar aggregate classification (germline): Uncertain significance (1 of 4 stars; one submission).

Submission:

Labcorp Genetics (formerly Invitae), Labcorp
Classification: Uncertain significance. Last evaluated: 2022-06-19. Review status: criteria provided, single submitter. Criteria: Invitae Variant Classification Sherloc (09022015). Collection method: clinical testing. Allele origin: germline.
Comment: In summary, the available evidence is currently insufficient to determine the role of this variant in disease. Therefore, it has been classified as a Variant of Uncertain Significance. Algorithms developed to predict the effect of missense changes on protein structure and function are either unavailable or do not agree on the potential impact of this missense change (SIFT: "Deleterious"; PolyPhen-2: "Probably Damaging"; Align-GVGD: "Class C0"). This variant has not been reported in the literature in individuals affected with KIF2A-related conditions. This variant is not present in population databases (gnomAD no frequency). This sequence change replaces asparagine, which is neutral and polar, with serine, which is neutral and polar, at codon 461 of the KIF2A protein (p.Asn461Ser).